The following is an entry in ClinVar:

NM_001807.6(CEL):c.1735A>G (p.Thr579Ala)

Gene: CEL (carboxyl ester lipase; plus strand). Cytogenetic location: 9q34.13.
Variant type: single nucleotide variant.
Coding change: c.1735A>G on transcript NM_001807.6 (MANE Select); coding-DNA position 1735, A replaced by G.
Protein change: p.Thr579Ala; replaces threonine 579 with alanine.
Molecular consequence: missense variant.
Genome position (GRCh38, 1-based): chr9:133,071,237, A>G. VCF-style: chr9-133071237-A-G. GRCh37 (hg19) VCF-style: chr9-135946624-A-G.
Other names: short protein forms T579A.
Identifiers: ClinVar variation 1208803 (VCV001208803.26), dbSNP rs35169970, ClinGen allele CA5303513.
Genomic context (GRCh38, chr9:133,071,237, plus strand): 5'-CCTGTGCCCCCCACAGGGGACTCCGAGGCCACTCCCGTGCCCCCCACGGGTGACTCCGAG[A>G]CCGCCCCCGTGCCGCCCACGGGTGACTCCGGGGCCCCCCCCGTGCCGCCCACGGGTGACT-3'
Protein context (NP_001798.3, residues 569-589): TPVPPTGDSE[Thr579Ala]APVPPTGDSG

ClinVar aggregate classification (germline): Benign/Likely benign. Review status: criteria provided, multiple submitters, no conflicts (2 of 4 stars). 2 submissions from 2 submitters: Benign (1); Likely benign (1). Last evaluated 2026-01-01.

Allele frequency attached by ClinVar (database versions not stated): gnomAD exomes 0.00031 and 0.00040; gnomAD 0.00062.

Submissions (2):

CeGaT Center for Human Genetics Tuebingen
Classification: Benign. Last evaluated: 2026-01-01. Review status: criteria provided, single submitter. Criteria: CeGaT Center For Human Genetics Tuebingen Variant Classification Criteria Version 2. Collection method: clinical testing. Allele origin: germline. Affected: yes. Observed: 4 variant alleles.
Comment: CEL: BS1, BS2

GeneDx
Classification: Likely benign. Last evaluated: 2021-05-12. Review status: criteria provided, single submitter. Criteria: GeneDx Variant Classification Process June 2021. Collection method: clinical testing. Allele origin: germline. Affected: yes.